The following is an entry in ClinVar:

NM_001042517.2(DIAPH3):c.3068A>G (p.Glu1023Gly)

Gene: DIAPH3 (diaphanous related formin 3; minus strand). Cytogenetic location: 13q21.2.
Variant type: single nucleotide variant.
Coding change: c.3068A>G on transcript NM_001042517.2 (MANE Select); coding-DNA position 3068, A replaced by G.
Protein change: p.Glu1023Gly; replaces glutamic acid 1023 with glycine.
Molecular consequence: missense variant.
Genome position (GRCh38, 1-based): chr13:59,810,883, T>C on the plus strand (A>G on the coding strand, the complement: DIAPH3 is on the minus strand). VCF-style: chr13-59810883-T-C. GRCh37 (hg19) VCF-style: chr13-60385017-T-C.
Other names: c.3035A>G, p.Glu1012Gly (NM_001258366.2); c.2930A>G, p.Glu977Gly (NM_001258367.2); c.2858A>G, p.Glu953Gly (NM_001258368.2); c.3068A>G, p.Glu1023Gly (NM_001258369.2); c.2279A>G, p.Glu760Gly (NM_030932.4); short protein forms E1012G, E953G, E1023G, E760G, E977G.
Identifiers: ClinVar variation 3699648 (VCV003699648.2).

ClinVar aggregate classification (germline): Uncertain significance (1 of 4 stars; one submission).

Submission:

Labcorp Genetics (formerly Invitae), Labcorp
Classification: Uncertain significance. Last evaluated: 2024-10-30. Review status: criteria provided, single submitter. Criteria: Invitae Variant Classification Sherloc (09022015). Collection method: clinical testing. Allele origin: germline.
Comment: This sequence change replaces glutamic acid, which is acidic and polar, with glycine, which is neutral and non-polar, at codon 1023 of the DIAPH3 protein (p.Glu1023Gly). This variant is not present in population databases (gnomAD no frequency). This variant has not been reported in the literature in individuals affected with DIAPH3-related conditions. An algorithm developed to predict the effect of missense changes on protein structure and function (PolyPhen-2) suggests that this variant is likely to be disruptive. In summary, the available evidence is currently insufficient to determine the role of this variant in disease. Therefore, it has been classified as a Variant of Uncertain Significance.